The following is an entry in ClinVar:

ClinVar aggregate classification (germline): Uncertain significance. Review status: criteria provided, multiple submitters, no conflicts (2 of 4 stars). 2 submissions from 2 submitters: Uncertain significance (2). Last evaluated 2026-09-08.

Conditions:
Hereditary nonpolyposis colon cancer (HNPCC). Also called: Hereditary nonpolyposis colorectal cancer; Familial nonpolyposis colon cancer; Hereditary Nonpolyposis Colorectal Cancer Syndrome. Identifiers: Orphanet 443909, MedGen C1333990, MONDO:0018630. Disease mechanism: loss of function.

Allele frequency attached by ClinVar (database versions not stated): gnomAD exomes below 0.00001.

Submissions (2):

Ambry Genetics
Classification: Uncertain significance. Last evaluated: 2026-09-08. Review status: criteria provided, single submitter. Criteria: Ambry Variant Classification Scheme 2023. Collection method: clinical testing. Allele origin: germline.
Comment: The p.R79H variant (also known as c.236G>A), located in coding exon 4 of the RPS20 gene, results from a G to A substitution at nucleotide position 236. The arginine at codon 79 is replaced by histidine, an amino acid with highly similar properties. This amino acid position is highly conserved in available vertebrate species. In addition, the in silico prediction for this alteration is inconclusive. Based on the available evidence, the clinical significance of this variant remains unclear.

Baylor Genetics
Classification: Uncertain significance for Hereditary Nonpolyposis Colorectal Cancer. Last evaluated: 2024-03-20. Review status: criteria provided, single submitter. Criteria: ACMG Guidelines, 2015. Collection method: clinical testing. Allele origin: unknown.

NM_001023.4(RPS20):c.236G>A (p.Arg79His)

Gene: RPS20 (ribosomal protein S20; minus strand). Cytogenetic location: 8q12.1.
Variant type: single nucleotide variant.
Coding change: c.236G>A on transcript NM_001023.4 (MANE Select); coding-DNA position 236, G replaced by A.
Protein change: p.Arg79His; replaces arginine 79 with histidine.
Molecular consequence: missense variant.
Genome position (GRCh38, 1-based): chr8:56,073,214, C>T on the plus strand (G>A on the coding strand, the complement: RPS20 is on the minus strand). VCF-style: chr8-56073214-C-T. GRCh37 (hg19) VCF-style: chr8-56985773-C-T.
Other names: c.236G>A, p.Arg79His (NM_001146227.3); c.236G>A (NM_001023.3); short protein forms R79H.
Identifiers: ClinVar variation 3240378 (VCV003240378.2), dbSNP rs904.